The following is an entry in ClinVar:

ClinVar aggregate classification (germline): Likely benign (1 of 4 stars; one submission).

Allele frequency attached by ClinVar (database versions not stated): ExAC 0.00001; gnomAD exomes 0.00001.
gnomAD v4.1: 11 of 1,614,034 alleles (0.00068%); highest among the groups gnomAD compares: Non-Finnish European, 0.00093%; no homozygotes.

Submission:

CeGaT Center for Human Genetics Tuebingen
Classification: Likely benign. Last evaluated: 2023-03-01. Review status: criteria provided, single submitter. Criteria: CeGaT Center For Human Genetics Tuebingen Variant Classification Criteria Version 2. Collection method: clinical testing. Allele origin: germline. Affected: yes. Observed: 1 variant allele.
Comment: SYNE1: BP4, BP7

NM_182961.4(SYNE1):c.8058C>G (p.Gly2686=)

Gene: SYNE1 (spectrin repeat containing nuclear envelope protein 1; minus strand). Cytogenetic location: 6q25.2.
Variant type: single nucleotide variant.
Coding change: c.8058C>G on transcript NM_182961.4 (MANE Select); coding-DNA position 8058, C replaced by G.
Protein change: p.Gly2686=; no amino-acid change (glycine 2686 retained).
Molecular consequence: synonymous variant.
Genome position (GRCh38, 1-based): chr6:152,390,399, G>C on the plus strand (C>G on the coding strand, the complement: SYNE1 is on the minus strand). VCF-style: chr6-152390399-G-C. GRCh37 (hg19) VCF-style: chr6-152711534-G-C.
Other names: c.8079C>G, p.Gly2693= (NM_033071.5).
Identifiers: ClinVar variation 2657026 (VCV002657026.24), dbSNP rs759230614, ClinGen allele CA4057626.